The following is an entry in ClinVar:

ClinVar aggregate classification (germline): Uncertain significance (1 of 4 stars; one submission).

Submission:

GeneDx
Classification: Uncertain significance. Last evaluated: 2024-07-23. Review status: criteria provided, single submitter. Criteria: GeneDx Variant Classification Process June 2021. Collection method: clinical testing. Allele origin: germline. Affected: yes.
Comment: Not observed at significant frequency in large population cohorts (gnomAD); In silico analysis supports that this missense variant has a deleterious effect on protein structure/function; Has not been previously published as pathogenic or benign to our knowledge

NM_006445.4(PRPF8):c.3727C>T (p.Arg1243Cys)

Gene: PRPF8 (pre-mRNA processing factor 8; minus strand). Cytogenetic location: 17p13.3.
Variant type: single nucleotide variant.
Coding change: c.3727C>T on transcript NM_006445.4 (MANE Select); coding-DNA position 3727, C replaced by T.
Protein change: p.Arg1243Cys; replaces arginine 1243 with cysteine.
Molecular consequence: missense variant.
Genome position (GRCh38, 1-based): chr17:1,673,128, G>A on the plus strand (C>T on the coding strand, the complement: PRPF8 is on the minus strand). VCF-style: chr17-1673128-G-A. GRCh37 (hg19) VCF-style: chr17-1576422-G-A.
Other names: short protein forms R1243C.
Identifiers: ClinVar variation 3600680 (VCV003600680.1).